The following is an entry in ClinVar:

ClinVar aggregate classification (germline): Uncertain significance (1 of 4 stars; one submission).

Conditions:
Combined oxidative phosphorylation deficiency. Identifiers: MedGen C4540031, MONDO:0000732.
Charcot-Marie-Tooth Neuropathy X. Identifiers: MedGen CN118851.

Submission:

Labcorp Genetics (formerly Invitae), Labcorp
Classification: Uncertain significance for Charcot-Marie-Tooth Neuropathy X; Combined oxidative phosphorylation deficiency. Last evaluated: 2022-10-27. Review status: criteria provided, single submitter. Criteria: Invitae Variant Classification Sherloc (09022015). Collection method: clinical testing. Allele origin: germline.
Comment: In summary, the available evidence is currently insufficient to determine the role of this variant in disease. Therefore, it has been classified as a Variant of Uncertain Significance. Advanced modeling of protein sequence and biophysical properties (such as structural, functional, and spatial information, amino acid conservation, physicochemical variation, residue mobility, and thermodynamic stability) has been performed at Invitae for this missense variant, however the output from this modeling did not meet the statistical confidence thresholds required to predict the impact of this variant on AIFM1 protein function. This variant has not been reported in the literature in individuals affected with AIFM1-related conditions. This variant is not present in population databases (gnomAD no frequency). This sequence change replaces alanine, which is neutral and non-polar, with glycine, which is neutral and non-polar, at codon 458 of the AIFM1 protein (p.Ala458Gly).

NM_004208.4(AIFM1):c.1373C>G (p.Ala458Gly)

Genes: AIFM1 (apoptosis inducing factor mitochondria associated 1; minus strand), RAB33A (RAB33A, member RAS oncogene family; plus strand). Cytogenetic location: Xq26.1.
Variant type: single nucleotide variant.
Coding change: c.1373C>G on transcript NM_004208.4 (MANE Select); coding-DNA position 1373, C replaced by G.
Protein change: p.Ala458Gly; replaces alanine 458 with glycine.
Molecular consequence: missense variant. On other transcripts: 3 prime UTR variant (1), non-coding transcript variant (1).
Genome position (GRCh38, 1-based): chrX:130,133,388, G>C on the plus strand (C>G on the coding strand, the complement: AIFM1 is on the minus strand). VCF-style: chrX-130133388-G-C. GRCh37 (hg19) VCF-style: chrX-129267363-G-C.
Other names: c.356C>G, p.Ala119Gly (NM_001130846.4); c.*601C>G (NM_001130847.4); c.1361C>G, p.Ala454Gly (NM_145812.3); short protein forms A454G, A458G, A119G.
Identifiers: ClinVar variation 2941013 (VCV002941013.3), dbSNP rs2523110294, ClinGen allele CA414573505.